The following is an entry in ClinVar:

ClinVar aggregate classification (germline): Conflicting classifications of pathogenicity. Review status: criteria provided, conflicting classifications (1 of 4 stars). 6 submissions from 6 submitters: Uncertain significance (1); Benign (1); Likely benign (3). 1 of the submissions does not count toward it. Last evaluated 2025-11-01.

Conditions:
Mitochondrial complex I deficiency, nuclear type 1. Also called: NADH-COENZYME Q REDUCTASE DEFICIENCY; MITOCHONDRIAL NADH DEHYDROGENASE COMPONENT OF COMPLEX I, DEFICIENCY OF. Identifiers: MedGen C6022305, MONDO:0100224, OMIM 252010.
NUBPL-related disorder. Also called: NUBPL-related condition.

Allele frequency attached by ClinVar (database versions not stated): 1000 Genomes Project 30x 0.00156; 1000 Genomes Project 0.00160; gnomAD 0.00185 and 0.00187; TOPMed 0.00224; ESP Exome Variant Server 0.00233.
gnomAD v4.1: 546 of 1,614,112 alleles (0.034%); highest among the groups gnomAD compares: African/African-American, 0.62%; 1 homozygote.

Submissions (6):

CeGaT Center for Human Genetics Tuebingen
Classification: Likely benign. Last evaluated: 2025-11-01. Review status: criteria provided, single submitter. Criteria: CeGaT Center For Human Genetics Tuebingen Variant Classification Criteria Version 2. Collection method: clinical testing. Allele origin: germline. Affected: yes. Observed: 1 variant allele.
Comment: NUBPL: BP4, BP7

Labcorp Genetics (formerly Invitae), Labcorp
Classification: Benign. Last evaluated: 2025-10-19. Review status: criteria provided, single submitter. Criteria: Invitae Variant Classification Sherloc (09022015). Collection method: clinical testing. Allele origin: germline.

Blueprint Genetics
Classification: Likely benign. Last evaluated: 2024-11-14. Review status: criteria provided, single submitter. Criteria: ACMG Guidelines, 2015. Collection method: clinical testing. Allele origin: germline.

GeneDx
Classification: Likely benign. Last evaluated: 2018-04-06. Review status: criteria provided, single submitter. Criteria: GeneDx Variant Classification Process June 2021. Collection method: clinical testing. Allele origin: germline. Affected: yes.

Illumina Laboratory Services, Illumina
Classification: Uncertain significance for Mitochondrial complex I deficiency, nuclear type 1. Last evaluated: 2018-01-12. Review status: criteria provided, single submitter. Criteria: ICSL Variant Classification Criteria 13 December 2019. Collection method: clinical testing. Allele origin: germline.

PreventionGenetics, part of Exact Sciences
Classification: Likely benign for NUBPL-related condition. Last evaluated: 2019-11-06. Review status: no assertion criteria provided. Collection method: clinical testing. Allele origin: germline. Not counted in ClinVar's aggregate classification.
Comment: This variant is classified as likely benign based on ACMG/AMP sequence variant interpretation guidelines (Richards et al. 2015 PMID: 25741868, with internal and published modifications).

NM_025152.3(NUBPL):c.639C>T (p.Ile213=)

Gene: NUBPL (NUBP iron-sulfur cluster assembly factor, mitochondrial; plus strand). Cytogenetic location: 14q12.
Variant type: single nucleotide variant.
Coding change: c.639C>T on transcript NM_025152.3 (MANE Select); coding-DNA position 639, C replaced by T.
Protein change: p.Ile213=; no amino-acid change (isoleucine 213 retained).
Molecular consequence: synonymous variant. On other transcripts: non-coding transcript variant (1).
Genome position (GRCh38, 1-based): chr14:31,826,660, C>T. VCF-style: chr14-31826660-C-T. GRCh37 (hg19) VCF-style: chr14-32295866-C-T.
Other names: c.351C>T, p.Ile117= (NM_001201573.2); c.90C>T, p.Ile30= (NM_001201574.2).
Identifiers: ClinVar variation 313029 (VCV000313029.23), dbSNP rs35330765, ClinGen allele CA7147936.